The following is an entry in ClinVar:

NM_173689.7(CRB2):c.592dup (p.Thr198fs)

Gene: CRB2 (crumbs cell polarity complex component 2; plus strand). Cytogenetic location: 9q33.3.
Variant type: Duplication.
Coding change: c.592dup on transcript NM_173689.7 (MANE Select); coding-DNA position 592, one base duplicated (A; older notation c.592dupA).
Protein change: p.Thr198fs; shifts the reading frame from threonine 198.
Molecular consequence: frameshift variant.
Genome position (GRCh38, 1-based): chr9:123,366,090, A duplicated. VCF-style (leftmost placement, unchanged base first): chr9-123366089-C-CA. GRCh37 (hg19) VCF-style: chr9-126128368-C-CA.
Other names: c.592dupA (NM_173689.7, NM_173689.6); short protein forms T198fs.
Identifiers: ClinVar variation 817964 (VCV000817964.3), dbSNP rs1417339548, ClinGen allele CA859782032.
Genomic context (GRCh38, chr9:123,366,089, plus strand): 5'-GGGCACCCGTTGCCAGCTGGACCTCGACGAGTGCCAGAGCCAGCCGTGCGCACATGGGGG[C>CA]ACGTGCCACGACCTGGTCAACGGGTGAGCGAGCGGCGGGGCAGGCGGCAGGGGCGCCGGG-3'

ClinVar aggregate classification (germline): Pathogenic/Likely pathogenic. Review status: criteria provided, multiple submitters, no conflicts (2 of 4 stars). 2 submissions from 2 submitters: Pathogenic (1); Likely pathogenic (1). Last evaluated 2025-10-08.

Conditions:
Focal segmental glomerulosclerosis 9 (FSGS9). Identifiers: Orphanet 656, MedGen C4015555, MONDO:0014539, OMIM 616220.

Allele frequency attached by ClinVar (database versions not stated): gnomAD exomes below 0.00001; gnomAD 0.00001; TOPMed 0.00001.

Submissions (2):

Women's Health and Genetics/Laboratory Corporation of America, LabCorp
Classification: Pathogenic for Focal segmental glomerulosclerosis 9. Last evaluated: 2025-10-08. Review status: criteria provided, single submitter. Criteria: LabCorp Variant Classification Summary - May 2015. Collection method: clinical testing. Allele origin: germline.
Comment: Variant summary: CRB2 c.592dupA (p.Thr198AsnfsX84) results in a premature termination codon, predicted to cause a truncation of the encoded protein or absence of the protein due to nonsense mediated decay, which are commonly known mechanisms for disease. The variant was absent in 142942 control chromosomes. To our knowledge, no occurrence of c.592dupA in individuals affected with CRB2-related conditions and no experimental evidence demonstrating its impact on protein function have been reported. ClinVar contains an entry for this variant (Variation ID: 817964). Based on the evidence outlined above, the variant was classified as pathogenic.

GeneDx
Classification: Likely pathogenic. Last evaluated: 2025-03-19. Review status: criteria provided, single submitter. Criteria: GeneDx Variant Classification Process June 2021. Collection method: clinical testing. Allele origin: germline. Affected: yes.
Comment: Frameshift variant predicted to result in protein truncation or nonsense mediated decay in a gene for which loss of function is a known mechanism of disease; Not observed at significant frequency in large population cohorts (gnomAD); Has not been previously published as pathogenic or benign to our knowledge